The following is an entry in ClinVar:

NM_003791.4(MBTPS1):c.2903A>C (p.Asn968Thr)

Gene: MBTPS1 (membrane bound transcription factor peptidase, site 1; minus strand). Cytogenetic location: 16q23.3.
Variant type: single nucleotide variant.
Coding change: c.2903A>C on transcript NM_003791.4 (MANE Select); coding-DNA position 2903, A replaced by C.
Protein change: p.Asn968Thr; replaces asparagine 968 with threonine.
Molecular consequence: missense variant.
Genome position (GRCh38, 1-based): chr16:84,056,064, T>G on the plus strand (A>C on the coding strand, the complement: MBTPS1 is on the minus strand). VCF-style: chr16-84056064-T-G. GRCh37 (hg19) VCF-style: chr16-84089669-T-G.
Other names: short protein forms N968T.
Identifiers: ClinVar variation 3543929 (VCV003543929.2).
Genomic context (GRCh38, chr16:84,056,064, plus strand): 5'-CCTCCAGGAATGTCCCAGGCGCCGCTCTCTCCAGGGGACAAGGGCCTCACTTGAGGGCGA[T>G]TCGATCGAAAGTTGGGTAACACCACCTTGTCCAGGTCAATGGAGAGTAGCTTCTGATGTT-3'
Protein context (NP_003782.1, residues 958-978): DKVVLPNFRS[Asn968Thr]RPQVRPLSPG

ClinVar aggregate classification (germline): Uncertain significance. Review status: criteria provided, multiple submitters, no conflicts (2 of 4 stars). 2 submissions from 2 submitters: Uncertain significance (2). Last evaluated 2025-05-22.

Conditions:
Inborn genetic diseases. Identifiers: MedGen C0950123, MeSH D030342.

gnomAD v4.1: 212 of 1,614,006 alleles (0.013%); highest among the groups gnomAD compares: Non-Finnish European, 0.017%; no homozygotes.

Submissions (2):

Labcorp Genetics (formerly Invitae), Labcorp
Classification: Uncertain significance. Last evaluated: 2025-05-22. Review status: criteria provided, single submitter. Criteria: Invitae Variant Classification Sherloc (09022015). Collection method: clinical testing. Allele origin: germline.
Comment: This sequence change replaces asparagine, which is neutral and polar, with threonine, which is neutral and polar, at codon 968 of the MBTPS1 protein (p.Asn968Thr). This variant is present in population databases (rs374310658, gnomAD 0.01%). This variant has not been reported in the literature in individuals affected with MBTPS1-related conditions. ClinVar contains an entry for this variant (Variation ID: 3543929). An algorithm developed to predict the effect of missense changes on protein structure and function (PolyPhen-2) suggests that this variant is likely to be tolerated. In summary, the available evidence is currently insufficient to determine the role of this variant in disease. Therefore, it has been classified as a Variant of Uncertain Significance.

Ambry Genetics
Classification: Uncertain significance for Inborn genetic diseases. Last evaluated: 2024-11-20. Review status: criteria provided, single submitter. Criteria: Ambry Variant Classification Scheme 2023. Collection method: clinical testing. Allele origin: germline.